The following is an entry in ClinVar:

ClinVar aggregate classification (germline): Uncertain significance. Review status: criteria provided, multiple submitters, no conflicts (2 of 4 stars). 2 submissions from 2 submitters: Uncertain significance (2). Last evaluated 2025-05-07.

Conditions:
EPILEPSY, CHILDHOOD ABSENCE, SUSCEPTIBILITY TO, 2 (ECA2). Identifiers: Orphanet 64280, MedGen C1843244, OMIM 607681.
Febrile seizures, familial, 8 (FEB8). Also called: CONVULSIONS, FAMILIAL FEBRILE, 8. Identifiers: Orphanet 36387, MedGen C1969810, MONDO:0011891, OMIM 607681.

Allele frequency attached by ClinVar (database versions not stated): TOPMed below 0.00001; ExAC 0.00001; gnomAD exomes 0.00001 and 0.00002.
gnomAD v4.1: 24 of 1,613,898 alleles (0.0015%); highest among the groups gnomAD compares: East Asian, 0.0022%; no homozygotes.

Submissions (2):

Labcorp Genetics (formerly Invitae), Labcorp
Classification: Uncertain significance for Febrile seizures, familial, 8; EPILEPSY, CHILDHOOD ABSENCE, SUSCEPTIBILITY TO, 2. Last evaluated: 2025-05-07. Review status: criteria provided, single submitter. Criteria: Invitae Variant Classification Sherloc (09022015). Collection method: clinical testing. Allele origin: germline.
Comment: This sequence change replaces aspartic acid, which is acidic and polar, with asparagine, which is neutral and polar, at codon 231 of the GABRG2 protein (p.Asp231Asn). This variant is present in population databases (rs773065895, gnomAD 0.004%). This variant has not been reported in the literature in individuals affected with GABRG2-related conditions. ClinVar contains an entry for this variant (Variation ID: 282556). Invitae Evidence Modeling of protein sequence and biophysical properties (such as structural, functional, and spatial information, amino acid conservation, physicochemical variation, residue mobility, and thermodynamic stability) has been performed for this missense variant. However, the output from this modeling did not meet the statistical confidence thresholds required to predict the impact of this variant on GABRG2 protein function. In summary, the available evidence is currently insufficient to determine the role of this variant in disease. Therefore, it has been classified as a Variant of Uncertain Significance.

Eurofins Ntd Llc (ga)
Classification: Uncertain significance. Last evaluated: 2015-08-12. Review status: criteria provided, single submitter. Criteria: EGL Classification Definitions 2015. Collection method: clinical testing. Allele origin: germline. Observed: 1 variant allele, 1 heterozygote.

NM_198904.4(GABRG2):c.691G>A (p.Asp231Asn)

Gene: GABRG2 (gamma-aminobutyric acid type A receptor subunit gamma2; plus strand). Cytogenetic location: 5q34.
Variant type: single nucleotide variant.
Coding change: c.691G>A on transcript NM_198904.4 (MANE Select); coding-DNA position 691, G replaced by A.
Protein change: p.Asp231Asn; replaces aspartic acid 231 with asparagine.
Molecular consequence: missense variant.
Genome position (GRCh38, 1-based): chr5:162,103,948, G>A. VCF-style: chr5-162103948-G-A. GRCh37 (hg19) VCF-style: chr5-161530954-G-A.
Other names: c.691G>A, p.Asp231Asn (NM_000816.3, NM_001375340.1, NM_001375341.1 and 2 more transcripts); c.682G>A, p.Asp228Asn (NM_001375339.1); c.811G>A, p.Asp271Asn (NM_001375343.1, NM_198903.2); c.625G>A, p.Asp209Asn (NM_001375345.1, NM_001375346.1); c.604G>A, p.Asp202Asn (NM_001375347.1); c.271G>A, p.Asp91Asn (NM_001375348.1, NM_001375350.1); c.406G>A, p.Asp136Asn (NM_001375349.1); short protein forms D231N, D271N, D136N, D202N, D209N, D228N, D91N.
Identifiers: ClinVar variation 282556 (VCV000282556.12), dbSNP rs773065895, ClinGen allele CA3544802.